The following is an entry in ClinVar:

NM_000368.5(TSC1):c.1912G>A (p.Asp638Asn)

Gene: TSC1 (TSC complex subunit 1; minus strand). Cytogenetic location: 9q34.13.
Variant type: single nucleotide variant.
Coding change: c.1912G>A on transcript NM_000368.5 (MANE Select); coding-DNA position 1912, G replaced by A.
Protein change: p.Asp638Asn; replaces aspartic acid 638 with asparagine.
Molecular consequence: missense variant. On other transcripts: non-coding transcript variant (5).
Genome position (GRCh38, 1-based): chr9:132,905,666, C>T on the plus strand (G>A on the coding strand, the complement: TSC1 is on the minus strand). VCF-style: chr9-132905666-C-T. GRCh37 (hg19) VCF-style: chr9-135781053-C-T.
Other names: c.958G>A, p.Asp320Asn (NM_001406627.1, NM_001406628.1); c.859G>A, p.Asp287Asn (NM_001406629.1, NM_001406630.1); c.1549G>A, p.Asp517Asn (NM_001406617.1, NM_001406618.1, NM_001406619.1 and 5 more transcripts); c.1546G>A, p.Asp516Asn (NM_001406620.1, NM_001406621.1, NM_001406622.1 and 2 more transcripts); c.961G>A, p.Asp321Asn (NM_001406626.1); c.1909G>A, p.Asp637Asn (NM_001162426.2, NM_001406608.1, NM_001406609.1 and 6 more transcripts); c.1759G>A, p.Asp587Asn (NM_001162427.2, NM_001406610.1); c.1912G>A, p.Asp638Asn (NM_001406592.1, NM_001406593.1, NM_001406594.1 and 7 more transcripts); and 1 more; short protein forms D321N, D586N, D638N, D287N, D320N, D517N, D637N, D516N.
Identifiers: ClinVar variation 2865137 (VCV002865137.3), dbSNP rs2131813764, ClinGen allele CA375362726.

ClinVar aggregate classification (germline): Uncertain significance (1 of 4 stars; one submission).

Conditions:
Tuberous sclerosis 1 (TSC1). Identifiers: Orphanet 805, MedGen C1854465, MONDO:0008612, OMIM 191100.

Submission:

Labcorp Genetics (formerly Invitae), Labcorp
Classification: Uncertain significance for Tuberous sclerosis 1. Last evaluated: 2023-05-17. Review status: criteria provided, single submitter. Criteria: Invitae Variant Classification Sherloc (09022015). Collection method: clinical testing. Allele origin: germline.
Comment: This sequence change replaces aspartic acid, which is acidic and polar, with asparagine, which is neutral and polar, at codon 638 of the TSC1 protein (p.Asp638Asn). In summary, the available evidence is currently insufficient to determine the role of this variant in disease. Therefore, it has been classified as a Variant of Uncertain Significance. Advanced modeling of protein sequence and biophysical properties (such as structural, functional, and spatial information, amino acid conservation, physicochemical variation, residue mobility, and thermodynamic stability) performed at Invitae indicates that this missense variant is not expected to disrupt TSC1 protein function. This variant has not been reported in the literature in individuals affected with TSC1-related conditions. This variant is not present in population databases (gnomAD no frequency).